The following is an entry in ClinVar:

NM_020843.4(SCAPER):c.772+2025AT[3]

Gene: SCAPER (S-phase cyclin A associated protein in the ER; minus strand). Cytogenetic location: 15q24.3.
Variant type: Microsatellite.
Coding change: c.772+2025AT[3] on transcript NM_020843.4 (MANE Select); three copies in a row of the 2-base unit AT starting at c.772+2025; the reference has four copies in a row; one copy, 2 bases deleted.
Molecular consequence: intron variant. On other transcripts: frameshift variant (1).
Genome position (GRCh38, 1-based): chr15:76,793,248-76,793,249, AT deleted on the plus strand (AT on the coding strand, the reverse complement: SCAPER is on the minus strand); deleting any 2 consecutive bases within chr15:76,793,248-76,793,255 gives the same sequence; the position shown is the placement nearest the transcript's 3' end. VCF-style (leftmost placement, unchanged base first): chr15-76793247-AAT-A. GRCh37 (hg19) VCF-style: chr15-77085588-AAT-A.
Other names: c.18_19del, p.Phe7fs (NM_001145923.2); c.370+2025AT[3] (NM_001353011.2, NM_001353012.2, NM_001353010.2); c.772+2025AT[3] (NM_001353009.2); short protein forms F7fs.
Identifiers: ClinVar variation 4984135 (VCV004984135.1).
Genomic context (GRCh38, chr15:76,793,247, plus strand): 5'-TTCAGTTCTATAGCTACTGTTATTATATATTACTTGAAGTATACACCTGTGATATTGCAA[AAT>A]ATATATTTGGTCTTCATCTCAAGTCTCCTGGCATGCAACTCCTAAAATCTTTGGAATTCC-3'

ClinVar aggregate classification (germline): Uncertain significance (1 of 4 stars; one submission).

Conditions:
SCAPER-related disorder. Also called: SCAPER-related condition.

Submission:

PreventionGenetics, part of Exact Sciences
Classification: Uncertain significance for SCAPER-related condition. Last evaluated: 2025-11-30. Review status: criteria provided, single submitter. Criteria: ACMG Guidelines, 2015. Collection method: clinical testing. Allele origin: germline.
Comment: The SCAPER c.18_19delAT variant is predicted to result in a frameshift and premature protein termination (p.Phe7Leufs*10). To our knowledge, this variant has not been reported in the literature or in a large population database (gnomAD), indicating this variant is rare. Frameshift variants in SCAPER are expected to be pathogenic, however no upstream loss-of-function variant has been reported to this date. Although we suspect that this variant may be pathogenic, at this time, the clinical significance of this variant is uncertain due to the absence of conclusive functional and genetic evidence.